The following is an entry in ClinVar:

NM_001019.5(RPS15A):c.77T>C (p.Leu26Pro)

Gene: RPS15A (ribosomal protein S15a; minus strand). Cytogenetic location: 16p12.3.
Variant type: single nucleotide variant.
Coding change: c.77T>C on transcript NM_001019.5 (MANE Select); coding-DNA position 77, T replaced by C.
Protein change: p.Leu26Pro; replaces leucine 26 with proline.
Molecular consequence: missense variant.
Genome position (GRCh38, 1-based): chr16:18,789,037, A>G on the plus strand (T>C on the coding strand, the complement: RPS15A is on the minus strand). VCF-style: chr16-18789037-A-G. GRCh37 (hg19) VCF-style: chr16-18800359-A-G.
Other names: c.77T>C, p.Leu26Pro (NM_001030009.2); short protein forms L26P.
Identifiers: ClinVar variation 4723750 (VCV004723750.1).

ClinVar aggregate classification (germline): Uncertain significance (1 of 4 stars; one submission).

Submission:

Labcorp Genetics (formerly Invitae), Labcorp
Classification: Uncertain significance. Last evaluated: 2025-10-27. Review status: criteria provided, single submitter. Criteria: Invitae Variant Classification Sherloc (09022015). Collection method: clinical testing. Allele origin: germline.
Comment: This sequence change replaces leucine, which is neutral and non-polar, with proline, which is neutral and non-polar, at codon 26 of the RPS15A protein (p.Leu26Pro). This variant is not present in population databases (gnomAD no frequency). This variant has not been reported in the literature in individuals affected with RPS15A-related conditions. An algorithm developed to predict the effect of missense changes on protein structure and function (PolyPhen-2) suggests that this variant is likely to be disruptive. In summary, the available evidence is currently insufficient to determine the role of this variant in disease. Therefore, it has been classified as a Variant of Uncertain Significance.